The following is an entry in ClinVar:

ClinVar aggregate classification (germline): Uncertain significance. Review status: criteria provided, multiple submitters, no conflicts (2 of 4 stars). 2 submissions from 2 submitters: Uncertain significance (2). Last evaluated 2025-11-01.

Conditions:
FLNB-related disorder. Also called: FLNB-related condition; FLNB-related disorders. Identifiers: MedGen CN381095.

gnomAD v4.1: 45 of 1,613,528 alleles (0.0028%); highest among the groups gnomAD compares: Non-Finnish European, 0.0035%; no homozygotes.

Submissions (2):

Labcorp Genetics (formerly Invitae), Labcorp
Classification: Uncertain significance. Last evaluated: 2025-11-01. Review status: criteria provided, single submitter. Criteria: Invitae Variant Classification Sherloc (09022015). Collection method: clinical testing. Allele origin: germline.
Comment: This sequence change replaces valine, which is neutral and non-polar, with leucine, which is neutral and non-polar, at codon 1435 of the FLNB protein (p.Val1435Leu). This variant is present in population databases (rs536769087, gnomAD 0.004%). This variant has not been reported in the literature in individuals affected with FLNB-related conditions. ClinVar contains an entry for this variant (Variation ID: 2019971). Invitae Evidence Modeling of protein sequence and biophysical properties (such as structural, functional, and spatial information, amino acid conservation, physicochemical variation, residue mobility, and thermodynamic stability) indicates that this missense variant is not expected to disrupt FLNB protein function with a negative predictive value of 80%. In summary, the available evidence is currently insufficient to determine the role of this variant in disease. Therefore, it has been classified as a Variant of Uncertain Significance.

PreventionGenetics, part of Exact Sciences
Classification: Uncertain significance for FLNB-related condition. Last evaluated: 2023-03-24. Review status: criteria provided, single submitter. Criteria: ACMG Guidelines, 2015. Collection method: clinical testing. Allele origin: germline.
Comment: The FLNB c.4303G>C variant is predicted to result in the amino acid substitution p.Val1435Leu. To our knowledge, this variant has not been reported in the literature. This variant is reported in 0.0031% of alleles in individuals of European (Non-Finnish) descent in gnomAD. At this time, the clinical significance of this variant is uncertain due to the absence of conclusive functional and genetic evidence.

NM_001457.4(FLNB):c.4303G>C (p.Val1435Leu)

Gene: FLNB (filamin B; plus strand). Cytogenetic location: 3p14.3.
Variant type: single nucleotide variant.
Coding change: c.4303G>C on transcript NM_001457.4 (MANE Select); coding-DNA position 4303, G replaced by C.
Protein change: p.Val1435Leu; replaces valine 1435 with leucine.
Molecular consequence: missense variant.
Genome position (GRCh38, 1-based): chr3:58,130,821, G>C. VCF-style: chr3-58130821-G-C. GRCh37 (hg19) VCF-style: chr3-58116548-G-C.
Other names: c.4303G>C (NM_001457.3); c.4303G>C, p.Val1435Leu (NM_001164317.2, NM_001164318.2, NM_001164319.2); short protein forms V1435L.
Identifiers: ClinVar variation 2019971 (VCV002019971.5), dbSNP rs536769087, ClinGen allele CA2468718.